The following is an entry in ClinVar:

ClinVar aggregate classification (germline): Uncertain significance (1 of 4 stars; one submission).

Conditions:
Wilson disease (WND). Also called: Wilson's disease. Identifiers: Orphanet 905, MedGen C0019202, MONDO:0010200, OMIM 277900. Disease mechanism: loss of function.

Allele frequency attached by ClinVar (database versions not stated): TOPMed below 0.00001.
gnomAD v4.1: 4 of 1,613,410 alleles (0.00025%); highest among the groups gnomAD compares: Non-Finnish European, 0.00034%; no homozygotes.

Submission:

All of Us Research Program, National Institutes of Health
Classification: Uncertain significance for Wilson disease. Last evaluated: 2024-03-14. Review status: criteria provided, single submitter. Criteria: ACMG Guidelines, 2015. Collection method: clinical testing. Allele origin: germline. Inheritance: Autosomal recessive inheritance. Observed: 2 variant alleles, 2 heterozygotes.
Comment: This missense variant replaces glutamic acid with aspartic acid at codon 624 of the ATP7B protein. Computational prediction suggests that this variant may not impact protein structure and function (internally defined REVEL score threshold <= 0.5, PMID: 27666373). To our knowledge, functional studies have not been reported for this variant. This variant has not been reported in individuals affected with ATP7B-related disorders in the literature. This variant has not been identified in the general population by the Genome Aggregation Database (gnomAD). The available evidence is insufficient to determine the role of this variant in disease conclusively. Therefore, this variant is classified as a Variant of Uncertain Significance.

This study involves interpretation of variants in research participants for the purpose of population health screening. Participant phenotype was not available at the time of variant classification. Additional details can be found in publication PMID: 35346344, PMCID: PMC8962531

NM_000053.4(ATP7B):c.1872A>T (p.Glu624Asp)

Gene: ATP7B (ATPase copper transporting beta; minus strand). Cytogenetic location: 13q14.3.
Variant type: single nucleotide variant.
Coding change: c.1872A>T on transcript NM_000053.4 (MANE Select); coding-DNA position 1872, A replaced by T.
Protein change: p.Glu624Asp; replaces glutamic acid 624 with aspartic acid.
Molecular consequence: missense variant. On other transcripts: intron variant (13).
Genome position (GRCh38, 1-based): chr13:51,961,911, T>A on the plus strand (A>T on the coding strand, the complement: ATP7B is on the minus strand). VCF-style: chr13-51961911-T-A. GRCh37 (hg19) VCF-style: chr13-52536047-T-A.
Other names: c.1872A>T, p.Glu624Asp (NM_001406519.1, NM_001406520.1, NM_001406521.1 and 16 more transcripts); c.1839A>T, p.Glu613Asp (NM_001406524.1, NM_001406514.1); c.1776A>T, p.Glu592Asp (NM_001406530.1, NM_001406536.1, NM_001406517.1 and 1 more transcripts); c.1443A>T, p.Glu481Asp (NM_001406539.1); c.1869+2961A>T (NM_001406541.1, NM_001406531.1, NM_001406532.1 and 5 more transcripts); c.1773+2961A>T (NM_001406543.1, NM_001406544.1); c.1286-11750A>T (NM_001406548.1); c.1708-4304A>T (NM_001406547.1, NM_001406545.1); and 1 more; short protein forms E481D, E513D, E592D, E613D, E624D.
Identifiers: ClinVar variation 3070905 (VCV003070905.2), dbSNP rs1845536418, ClinGen allele CA388028080.
Genomic context (GRCh38, chr13:51,961,911, plus strand): 5'-CTTGTGGTCCAAGTGATGAGCGTTGGGGTTTCTCTGGGCCAGGGAAGCATGAAAGCCAAT[T>A]TCCTTGTCATTAAAAAGAGAGGGGTGGGGAAAAAGGAGGAAGGTACTTGGTTAAAATATG-3'
Protein context (NP_000044.2, residues 614-634): GPRDIIKIIE[Glu624Asp]IGFHASLAQR